The following is an entry in ClinVar:

NM_002691.4(POLD1):c.3048C>T (p.Arg1016=)

Gene: POLD1 (DNA polymerase delta 1, catalytic subunit; plus strand). Cytogenetic location: 19q13.33.
Variant type: single nucleotide variant.
Coding change: c.3048C>T on transcript NM_002691.4 (MANE Select); coding-DNA position 3048, C replaced by T.
Protein change: p.Arg1016=; no amino-acid change (arginine 1016 retained).
Molecular consequence: synonymous variant. On other transcripts: non-coding transcript variant (1).
Genome position (GRCh38, 1-based): chr19:50,416,704, C>T. VCF-style: chr19-50416704-C-T. GRCh37 (hg19) VCF-style: chr19-50919961-C-T.
Other names: c.3048C>T, p.Arg1016= (NM_001256849.1); c.3126C>T, p.Arg1042= (NM_001308632.1).
Identifiers: ClinVar variation 414777 (VCV000414777.18), dbSNP rs376360811, ClinGen allele CA16616418.
Genomic context (GRCh38, chr19:50,416,704, plus strand): 5'-GGGCAAGGTGGGCGGCCTCCTGGCCTTCGCCAAACGCCGCAACTGCTGCATTGGCTGCCG[C>T]ACAGTGCTCAGCCACCAGGGTGAGCGGCCCTGGCCACTGGGCCCCCACTGGCCCTCAACC-3'
Protein context (NP_002682.2, residues 1006-1026): AKRRNCCIGC[Arg1016=]TVLSHQGAVC

ClinVar aggregate classification (germline): Likely benign. Review status: criteria provided, multiple submitters, no conflicts (2 of 4 stars). 4 submissions from 4 submitters: Likely benign (4). Last evaluated 2026-01-26.

Conditions:
POLD1-related polyposis and colorectal cancer syndrome (CRCS10). Also called: Colorectal cancer, susceptibility to, 10; Colorectal cancer 10; COLORECTAL CANCER, SUSCEPTIBILITY TO, ON CHROMOSOME 19q. Identifiers: Orphanet 220460, MedGen C2675481, MONDO:0012953, OMIM 612591.
Hereditary cancer-predisposing syndrome. Also called: Neoplastic Syndromes, Hereditary; Hereditary neoplastic syndrome; Hereditary Cancer Syndrome; Tumor predisposition. Identifiers: Orphanet 140162, MedGen C0027672, MeSH D009386, MONDO:0015356.
POLD1-related disorder. Also called: POLD1-related disorders; POLD1-related condition.

Allele frequency attached by ClinVar (database versions not stated): gnomAD exomes 0.00001 and 0.00002; gnomAD 0.00002; TOPMed 0.00004; ESP Exome Variant Server 0.00008.

Submissions (4):

Labcorp Genetics (formerly Invitae), Labcorp
Classification: Likely benign for POLD1-related polyposis and colorectal cancer syndrome. Last evaluated: 2026-01-26. Review status: criteria provided, single submitter. Criteria: Invitae Variant Classification Sherloc (09022015). Collection method: clinical testing. Allele origin: germline.

PreventionGenetics, part of Exact Sciences
Classification: Likely benign for POLD1-related condition. Last evaluated: 2025-12-31. Review status: criteria provided, single submitter. Criteria: ACMG Guidelines, 2015. Collection method: clinical testing. Allele origin: germline.
Comment: This variant is classified as likely benign based on ACMG/AMP sequence variant interpretation guidelines (Richards et al. 2015 PMID: 25741868, with internal and published modifications).

GeneDx
Classification: Likely benign. Last evaluated: 2019-08-30. Review status: criteria provided, single submitter. Criteria: GeneDx Variant Classification Process June 2021. Collection method: clinical testing. Allele origin: germline. Affected: yes.

Ambry Genetics
Classification: Likely benign for Hereditary cancer-predisposing syndrome. Last evaluated: 2015-06-15. Review status: criteria provided, single submitter. Criteria: Ambry Variant Classification Scheme 2023. Collection method: clinical testing. Allele origin: germline.